The following is an entry in ClinVar:

NM_024580.6(EFL1):c.2842T>A (p.Ser948Thr)

Gene: EFL1 (elongation factor like GTPase 1; minus strand). Cytogenetic location: 15q25.2.
Variant type: single nucleotide variant.
Coding change: c.2842T>A on transcript NM_024580.6 (MANE Select); coding-DNA position 2842, T replaced by A.
Protein change: p.Ser948Thr; replaces serine 948 with threonine.
Molecular consequence: missense variant. On other transcripts: non-coding transcript variant (1).
Genome position (GRCh38, 1-based): chr15:82,151,612, A>T on the plus strand (T>A on the coding strand, the complement: EFL1 is on the minus strand). VCF-style: chr15-82151612-A-T. GRCh37 (hg19) VCF-style: chr15-82443953-A-T.
Other names: c.2689T>A, p.Ser897Thr (NM_001040610.3); c.2053T>A, p.Ser685Thr (NM_001322844.2); c.2842T>A, p.Ser948Thr (NM_001322845.2); short protein forms S948T, S897T, S685T.
Identifiers: ClinVar variation 1392302 (VCV001392302.8), dbSNP rs775000184, ClinGen allele CA7697695.

ClinVar aggregate classification (germline): Uncertain significance (1 of 4 stars; one submission).

Allele frequency attached by ClinVar (database versions not stated): gnomAD exomes below 0.00001 and 0.00001; ExAC 0.00001; TOPMed 0.00002; gnomAD 0.00003.
gnomAD v4.1: 8 of 1,613,918 alleles (0.0005%); highest among the groups gnomAD compares: African/African-American, 0.011%; no homozygotes.

Submission:

Labcorp Genetics (formerly Invitae), Labcorp
Classification: Uncertain significance. Last evaluated: 2025-01-13. Review status: criteria provided, single submitter. Criteria: Invitae Variant Classification Sherloc (09022015). Collection method: clinical testing. Allele origin: germline.
Comment: This sequence change replaces serine, which is neutral and polar, with threonine, which is neutral and polar, at codon 948 of the EFL1 protein (p.Ser948Thr). This variant is present in population databases (rs775000184, gnomAD 0.01%). This variant has not been reported in the literature in individuals affected with EFL1-related conditions. ClinVar contains an entry for this variant (Variation ID: 1392302). An algorithm developed to predict the effect of missense changes on protein structure and function outputs the following: PolyPhen-2: "Benign". The threonine amino acid residue is found in multiple mammalian species, which suggests that this missense change does not adversely affect protein function. In summary, the available evidence is currently insufficient to determine the role of this variant in disease. Therefore, it has been classified as a Variant of Uncertain Significance.